The following is an entry in ClinVar:

NM_015559.3(SETBP1):c.3616C>G (p.His1206Asp)

Gene: SETBP1 (SET binding protein 1; plus strand). Cytogenetic location: 18q12.3.
Variant type: single nucleotide variant.
Coding change: c.3616C>G on transcript NM_015559.3 (MANE Select); coding-DNA position 3616, C replaced by G.
Protein change: p.His1206Asp; replaces histidine 1206 with aspartic acid.
Molecular consequence: missense variant.
Genome position (GRCh38, 1-based): chr18:44,952,956, C>G. VCF-style: chr18-44952956-C-G. GRCh37 (hg19) VCF-style: chr18-42532921-C-G.
Other names: c.3616C>G, p.His1206Asp (NM_001379141.1, NM_001379142.1); short protein forms H1206D.
Identifiers: ClinVar variation 1441219 (VCV001441219.6), dbSNP rs2071396956, ClinGen allele CA402324807.

ClinVar aggregate classification (germline): Uncertain significance (1 of 4 stars; one submission).

Submission:

Labcorp Genetics (formerly Invitae), Labcorp
Classification: Uncertain significance. Last evaluated: 2021-10-18. Review status: criteria provided, single submitter. Criteria: Invitae Variant Classification Sherloc (09022015). Collection method: clinical testing. Allele origin: germline.
Comment: This sequence change replaces histidine with aspartic acid at codon 1206 of the SETBP1 protein (p.His1206Asp). The histidine residue is highly conserved and there is a moderate physicochemical difference between histidine and aspartic acid. This variant is not present in population databases (ExAC no frequency). This variant has not been reported in the literature in individuals affected with SETBP1-related conditions. Algorithms developed to predict the effect of missense changes on protein structure and function are either unavailable or do not agree on the potential impact of this missense change (SIFT: "Deleterious"; PolyPhen-2: "Benign"; Align-GVGD: "Class C0"). In summary, the available evidence is currently insufficient to determine the role of this variant in disease. Therefore, it has been classified as a Variant of Uncertain Significance.